The following is an entry in ClinVar:

ClinVar aggregate classification (germline): Uncertain significance (1 of 4 stars; one submission).

Submission:

Labcorp Genetics (formerly Invitae), Labcorp
Classification: Uncertain significance. Last evaluated: 2021-01-31. Review status: criteria provided, single submitter. Criteria: Invitae Variant Classification Sherloc (09022015). Collection method: clinical testing. Allele origin: germline.
Comment: This sequence change replaces asparagine with serine at codon 2189 of the POLE protein (p.Asn2189Ser). The asparagine residue is moderately conserved and there is a small physicochemical difference between asparagine and serine. Algorithms developed to predict the effect of sequence changes on RNA splicing suggest that this variant may create or strengthen a splice site, but this prediction has not been confirmed by published transcriptional studies. Algorithms developed to predict the effect of missense changes on protein structure and function (SIFT, PolyPhen-2, Align-GVGD) all suggest that this variant is likely to be tolerated, but these predictions have not been confirmed by published functional studies and their clinical significance is uncertain. This variant has not been reported in the literature in individuals with POLE-related conditions. This variant is not present in population databases (ExAC no frequency). In summary, the available evidence is currently insufficient to determine the role of this variant in disease. Therefore, it has been classified as a Variant of Uncertain Significance.

NM_006231.4(POLE):c.6566A>G (p.Asn2189Ser)

Gene: POLE (DNA polymerase epsilon, catalytic subunit; minus strand). Cytogenetic location: 12q24.33.
Variant type: single nucleotide variant.
Coding change: c.6566A>G on transcript NM_006231.4 (MANE Select); coding-DNA position 6566, A replaced by G.
Protein change: p.Asn2189Ser; replaces asparagine 2189 with serine.
Molecular consequence: missense variant.
Genome position (GRCh38, 1-based): chr12:132,625,736, T>C on the plus strand (A>G on the coding strand, the complement: POLE is on the minus strand). VCF-style: chr12-132625736-T-C. GRCh37 (hg19) VCF-style: chr12-133202322-T-C.
Other names: short protein forms N2189S.
Identifiers: ClinVar variation 1396293 (VCV001396293.8), dbSNP rs2138428264, ClinGen allele CA387366817.